The following is an entry in ClinVar:

ClinVar aggregate classification (germline): Uncertain significance (1 of 4 stars; one submission).

Submission:

Labcorp Genetics (formerly Invitae), Labcorp
Classification: Uncertain significance. Last evaluated: 2024-10-30. Review status: criteria provided, single submitter. Criteria: Invitae Variant Classification Sherloc (09022015). Collection method: clinical testing. Allele origin: germline.
Comment: This sequence change replaces aspartic acid, which is acidic and polar, with glutamic acid, which is acidic and polar, at codon 298 of the ASXL1 protein (p.Asp298Glu). This variant is not present in population databases (gnomAD no frequency). This variant has not been reported in the literature in individuals affected with ASXL1-related conditions. An algorithm developed to predict the effect of missense changes on protein structure and function (PolyPhen-2) suggests that this variant is likely to be disruptive. In summary, the available evidence is currently insufficient to determine the role of this variant in disease. Therefore, it has been classified as a Variant of Uncertain Significance.

NM_015338.6(ASXL1):c.894T>G (p.Asp298Glu)

Gene: ASXL1 (ASXL transcriptional regulator 1; plus strand). Cytogenetic location: 20q11.21.
Variant type: single nucleotide variant.
Coding change: c.894T>G on transcript NM_015338.6 (MANE Select); coding-DNA position 894, T replaced by G.
Protein change: p.Asp298Glu; replaces aspartic acid 298 with glutamic acid.
Molecular consequence: missense variant.
Genome position (GRCh38, 1-based): chr20:32,431,594, T>G. VCF-style: chr20-32431594-T-G. GRCh37 (hg19) VCF-style: chr20-31019397-T-G.
Other names: c.711T>G, p.Asp237Glu (NM_001363734.1); short protein forms D237E, D298E.
Identifiers: ClinVar variation 3685154 (VCV003685154.2).
Genomic context (GRCh38, chr20:32,431,594, plus strand): 5'-CTCTTTTAAGTTTATTTATTAGGATTTTTTTCCCCCTTGATCCTTCTAGGTGGGGACGGA[T>G]GGCCTGTTGCGTCTCAGCAGCAGTGCACTAAATAACGAGTTTTTTACCCATGCGGCTCAG-3'
Protein context (NP_056153.2, residues 288-308): LPEVDRQVGT[Asp298Glu]GLLRLSSSAL